The following is an entry in ClinVar:

NM_005726.6(TSFM):c.484-1033G>A

Gene: TSFM (Ts translation elongation factor, mitochondrial; plus strand). Cytogenetic location: 12q14.1.
Variant type: single nucleotide variant.
Coding change: c.484-1033G>A on transcript NM_005726.6 (MANE Select); 1033 bases into the intron before coding-DNA position 484, G replaced by A.
Molecular consequence: intron variant.
Genome position (GRCh38, 1-based): chr12:57,791,953, G>A. VCF-style: chr12-57791953-G-A. GRCh37 (hg19) VCF-style: chr12-58185736-G-A.
Other names: c.484-1033G>A (NM_001172697.2); c.484-12G>A (NM_001172696.2); c.484-4224G>A (NM_001172695.2).
Identifiers: ClinVar variation 516345 (VCV000516345.1), dbSNP rs551636585, ClinGen allele CA237835931.

ClinVar aggregate classification (germline): Likely benign (1 of 4 stars; one submission).

Allele frequency attached by ClinVar (database versions not stated): gnomAD exomes 0.00001; 1000 Genomes Project 30x 0.00016; 1000 Genomes Project 0.00020; gnomAD 0.00051 and 0.00054; TOPMed 0.00056.
gnomAD v4.1: 78 of 375,922 alleles (0.021%); highest among the groups gnomAD compares: African/African-American, 0.16%; no homozygotes.

Submission:

GeneDx
Classification: Likely benign. Last evaluated: 2017-01-24. Review status: criteria provided, single submitter. Criteria: GeneDx Variant Classification (06012015). Collection method: clinical testing. Allele origin: germline. Affected: yes.
Comment: This variant is considered likely benign or benign based on one or more of the following criteria: it is a conservative change, it occurs at a poorly conserved position in the protein, it is predicted to be benign by multiple in silico algorithms, and/or has population frequency not consistent with disease.